The following is an entry in ClinVar:

ClinVar aggregate classification (germline): Uncertain significance (1 of 4 stars; one submission).

Allele frequency attached by ClinVar (database versions not stated): gnomAD 0.00002.
gnomAD v4.1: 16 of 1,608,908 alleles (0.00099%); highest among the groups gnomAD compares: East Asian, 0.0067%; no homozygotes.

Submission:

Labcorp Genetics (formerly Invitae), Labcorp
Classification: Uncertain significance. Last evaluated: 2022-07-05. Review status: criteria provided, single submitter. Criteria: Invitae Variant Classification Sherloc (09022015). Collection method: clinical testing. Allele origin: germline.
Comment: ClinVar contains an entry for this variant (Variation ID: 1420540). In summary, the available evidence is currently insufficient to determine the role of this variant in disease. Therefore, it has been classified as a Variant of Uncertain Significance. Algorithms developed to predict the effect of missense changes on protein structure and function are either unavailable or do not agree on the potential impact of this missense change (SIFT: "Deleterious"; PolyPhen-2: "Probably Damaging"; Align-GVGD: "Class C0"). This variant has not been reported in the literature in individuals affected with MPDZ-related conditions. This variant is present in population databases (no rsID available, gnomAD 0.006%). This sequence change replaces asparagine, which is neutral and polar, with serine, which is neutral and polar, at codon 2012 of the MPDZ protein (p.Asn2012Ser).

NM_001378778.1(MPDZ):c.6122A>G (p.Asn2041Ser)

Gene: MPDZ (multiple PDZ domain crumbs cell polarity complex component; minus strand). Cytogenetic location: 9p23.
Variant type: single nucleotide variant.
Coding change: c.6122A>G on transcript NM_001378778.1 (MANE Select); coding-DNA position 6122, A replaced by G.
Protein change: p.Asn2041Ser; replaces asparagine 2041 with serine.
Molecular consequence: missense variant.
Genome position (GRCh38, 1-based): chr9:13,107,056, T>C on the plus strand (A>G on the coding strand, the complement: MPDZ is on the minus strand). VCF-style: chr9-13107056-T-C. GRCh37 (hg19) VCF-style: chr9-13107055-T-C.
Other names: c.6023A>G, p.Asn2008Ser (NM_001261406.2, NM_001375416.1, NM_001375417.1 and 1 more transcripts); c.5936A>G, p.Asn1979Ser (NM_001261407.2, NM_001375419.1); c.6122A>G, p.Asn2041Ser (NM_001330637.2); c.6221A>G, p.Asn2074Ser (NM_001375413.1); c.5912A>G, p.Asn1971Ser (NM_001375420.1, NM_001375421.1, NM_001375422.1 and 2 more transcripts); c.5825A>G, p.Asn1942Ser (NM_001375425.1, NM_001375426.1); c.5714A>G, p.Asn1905Ser (NM_001375427.1); c.6035A>G, p.Asn2012Ser (NM_003829.5); short protein forms N1905S, N1942S, N1979S, N2008S, N1971S, N2012S, N2041S, N2074S.
Identifiers: ClinVar variation 1420540 (VCV001420540.8), dbSNP rs1369078759, ClinGen allele CA372938386.